The following is an entry in ClinVar:

NM_016013.4(NDUFAF1):c.147CTC[1] (p.Ser51del)

Gene: NDUFAF1 (NADH:ubiquinone oxidoreductase complex assembly factor 1; minus strand). Cytogenetic location: 15q15.1.
Variant type: Microsatellite.
Coding change: c.147CTC[1] on transcript NM_016013.4 (MANE Select); one copy of the 3-base unit CTC starting at c.147; the reference has two copies in a row; one copy, 3 bases deleted.
Protein change: p.Ser51del; deletes serine 51.
Molecular consequence: inframe deletion. On other transcripts: non-coding transcript variant (1).
Genome position (GRCh38, 1-based): chr15:41,396,908-41,396,910, GAG deleted on the plus strand (CTC on the coding strand, the reverse complement: NDUFAF1 is on the minus strand); deleting any 3 consecutive bases within chr15:41,396,908-41,396,914 gives the same sequence; the position shown is the placement nearest the transcript's 3' end. VCF-style (leftmost placement, unchanged base first): chr15-41396907-TGAG-T. GRCh37 (hg19) VCF-style: chr15-41689105-TGAG-T.
Other names: short protein forms S51del.
Identifiers: ClinVar variation 2663743 (VCV002663743.1), dbSNP rs754706556, ClinGen allele CA7491388.

ClinVar aggregate classification (germline): Uncertain significance (1 of 4 stars; one submission).

Submission:

GeneDx
Classification: Uncertain significance. Last evaluated: 2023-04-20. Review status: criteria provided, single submitter. Criteria: GeneDx Variant Classification Process June 2021. Collection method: clinical testing. Allele origin: germline. Affected: yes.
Comment: Not observed at significant frequency in large population cohorts (gnomAD); In-frame deletion of 1 amino acid in a non-repeat region; In silico analysis supports that this variant does not alter protein structure/function; Has not been previously published as pathogenic or benign to our knowledge